The following is an entry in ClinVar:

ClinVar aggregate classification (germline): Conflicting classifications of pathogenicity. Review status: criteria provided, conflicting classifications (1 of 4 stars). 2 submissions from 2 submitters: Pathogenic (1); Uncertain significance (1). Last evaluated 2021-03-10.

Conditions:
21-Hydroxylase-Deficient Congenital Adrenal Hyperplasia. Also called: ADRENAL HYPERPLASIA, CONGENITAL, DUE TO 21-HYDROXYLASE DEFICIENCY; ADRENAL HYPERPLASIA III. Identifiers: MedGen C2936858, OMIM 201910.

Allele frequency attached by ClinVar (database versions not stated): gnomAD exomes below 0.00001.

Submissions (2):

Institute of Medical Genetics and Genomics, Sir Ganga Ram Hospital
Classification: Uncertain significance for 21-Hydroxylase-Deficient Congenital Adrenal Hyperplasia. Last evaluated: 2021-03-10. Review status: criteria provided, single submitter. Criteria: ACMG Guidelines, 2015. Collection method: clinical testing. Allele origin: germline. Affected: yes. Observed: 1 variant allele.
Comment: Found in two CAH patients; one had this variant with full gene deletion and other was found in trans with with c.515T>A variant of CYP21A2 gene

Clinical Genetics and Genomics, Karolinska University Hospital
Classification: Pathogenic. Last evaluated: 2016-09-02. Review status: criteria provided, single submitter. Criteria: ACMG Guidelines, 2015. Collection method: clinical testing. Allele origin: germline. Affected: yes. Observed: 1 variant allele.

Literature cited by the submitters: PubMed 23359698 (cited by Institute of Medical Genetics and Genomics, Sir Ganga Ram Hospital); PubMed 33552137 (cited by Institute of Medical Genetics and Genomics, Sir Ganga Ram Hospital); PubMed 30611409 (cited by Institute of Medical Genetics and Genomics, Sir Ganga Ram Hospital); PubMed 29035424 (cited by Institute of Medical Genetics and Genomics, Sir Ganga Ram Hospital).

NM_000500.9(CYP21A2):c.1070G>C (p.Arg357Pro)

Genes: CYP21A2 (cytochrome P450 family 21 subfamily A member 2; plus strand), LOC106780800 (CYP21A2 recombination region; plus strand). Cytogenetic location: 6p21.33.
Variant type: single nucleotide variant.
Coding change: c.1070G>C on transcript NM_000500.9 (MANE Select); coding-DNA position 1070, G replaced by C.
Protein change: p.Arg357Pro; replaces arginine 357 with proline.
Molecular consequence: missense variant.
Genome position (GRCh38, 1-based): chr6:32,040,536, G>C. VCF-style: chr6-32040536-G-C. GRCh37 (hg19) VCF-style: chr6-32008313-G-C.
Other names: p.Arg357Pro; c.980G>C, p.Arg327Pro (NM_001128590.4); c.665G>C, p.Arg222Pro (NM_001368143.2, NM_001368144.2); short protein forms R222P, R327P, R357P.
Identifiers: ClinVar variation 988494 (VCV000988494.3), dbSNP rs574370139, ClinGen allele CA363511105.